The following is an entry in ClinVar:

NM_018896.5(CACNA1G):c.6127C>T (p.Arg2043Ter)

Gene: CACNA1G (calcium voltage-gated channel subunit alpha1 G; plus strand). Cytogenetic location: 17q21.33.
Variant type: single nucleotide variant.
Coding change: c.6127C>T on transcript NM_018896.5 (MANE Select); coding-DNA position 6127, C replaced by T.
Protein change: p.Arg2043Ter; replaces arginine 2043 with a stop codon.
Molecular consequence: nonsense. On other transcripts: non-coding transcript variant (5).
Genome position (GRCh38, 1-based): chr17:50,623,973, C>T. VCF-style: chr17-50623973-C-T. GRCh37 (hg19) VCF-style: chr17-48701334-C-T.
Other names: c.5938C>T, p.Arg1980Ter (NM_001256324.2); c.5869C>T, p.Arg1957Ter (NM_001256325.2); c.5857C>T, p.Arg1953Ter (NM_001256326.2); c.5827C>T, p.Arg1943Ter (NM_001256327.2); c.5773C>T, p.Arg1925Ter (NM_001256328.2); c.5746C>T, p.Arg1916Ter (NM_001256329.2, NM_198376.3, NM_198387.3); c.5713C>T, p.Arg1905Ter (NM_001256330.2); c.5692C>T, p.Arg1898Ter (NM_001256331.2); and 15 more; short protein forms R1893*, R1898*, R1905*, R1909*, R1912*, R1914*, R1916*, R1923*.
Identifiers: ClinVar variation 3361045 (VCV003361045.2).

ClinVar aggregate classification (germline): Uncertain significance (1 of 4 stars; one submission).

Submission:

GeneDx
Classification: Uncertain significance. Last evaluated: 2024-10-24. Review status: criteria provided, single submitter. Criteria: GeneDx Variant Classification Process June 2021. Collection method: clinical testing. Allele origin: germline.
Comment: Reported previously in a patient with rapidly progressive atypical parkinsonism (PMID: 37070041); Not observed at significant frequency in large population cohorts (gnomAD); Nonsense variant predicted to result in protein truncation or nonsense mediated decay in a gene or region of a gene for which loss of function is not a well-established mechanism of disease; This variant is associated with the following publications: (PMID: 37070041)